The following is an entry in ClinVar:

NM_005619.5(RTN2):c.536T>C (p.Leu179Ser)

Genes: OPA3-RTN2 (OPA3-RTN2 readthrough; minus strand), RTN2 (reticulon 2; minus strand). Cytogenetic location: 19q13.32.
Variant type: single nucleotide variant.
Coding change: c.536T>C on transcript NM_005619.5 (MANE Select); coding-DNA position 536, T replaced by C.
Protein change: p.Leu179Ser; replaces leucine 179 with serine.
Molecular consequence: missense variant.
Genome position (GRCh38, 1-based): chr19:45,494,549, A>G on the plus strand (T>C on the coding strand, the complement: RTN2 is on the minus strand). VCF-style: chr19-45494549-A-G. GRCh37 (hg19) VCF-style: chr19-45997807-A-G.
Other names: c.536T>C (NM_005619.3); c.536T>C, p.Leu179Ser (NM_206900.3); short protein forms L179S.
Identifiers: ClinVar variation 1376927 (VCV001376927.9), dbSNP rs561232438, ClinGen allele CA9516241.
Genomic context (GRCh38, chr19:45,494,549, plus strand): 5'-CCTCTTGGCTTTGGTCCCAGCACCTCGGACATCTCACCTTCCCCAGCTTCTCCTGTCTCC[A>G]ATCTGTTGGGTTCTTGGGGTTCTTCGTCTTCCAGCGGGGTGGAGCTGCTGGTGGAAGAGT-3'
Protein context (NP_005610.1, residues 169-189): EDEEPQEPNR[Leu179Ser]ETGEAGEELD

ClinVar aggregate classification (germline): Conflicting classifications of pathogenicity. Review status: criteria provided, conflicting classifications (1 of 4 stars). 2 submissions from 2 submitters: Uncertain significance (1); Likely benign (1). Last evaluated 2024-09-26.

Conditions:
Spastic paraplegia. Identifiers: MedGen C0037772, HP:0001258.
Inborn genetic diseases. Identifiers: MedGen C0950123, MeSH D030342.

Allele frequency attached by ClinVar (database versions not stated): TOPMed below 0.00001; gnomAD 0.00001; gnomAD exomes 0.00002 and 0.00005; ExAC 0.00007; 1000 Genomes Project 30x 0.00016; 1000 Genomes Project 0.00020.
gnomAD v4.1: 24 of 1,613,792 alleles (0.0015%); highest among the groups gnomAD compares: South Asian, 0.023%; no homozygotes.

Submissions (2):

Ambry Genetics
Classification: Likely benign for Inborn genetic diseases. Last evaluated: 2024-09-26. Review status: criteria provided, single submitter. Criteria: Ambry Variant Classification Scheme 2023. Collection method: clinical testing. Allele origin: germline.

Labcorp Genetics (formerly Invitae), Labcorp
Classification: Uncertain significance for Spastic paraplegia. Last evaluated: 2020-12-16. Review status: criteria provided, single submitter. Criteria: Invitae Variant Classification Sherloc (09022015). Collection method: clinical testing. Allele origin: germline.
Comment: In summary, the available evidence is currently insufficient to determine the role of this variant in disease. Therefore, it has been classified as a Variant of Uncertain Significance. Algorithms developed to predict the effect of missense changes on protein structure and function output the following: SIFT: "Deleterious"; PolyPhen-2: "Benign"; Align-GVGD: "Class C0". The serine amino acid residue is found in multiple mammalian species, suggesting that this missense change does not adversely affect protein function. These predictions have not been confirmed by published functional studies and their clinical significance is uncertain. This variant has not been reported in the literature in individuals with RTN2-related conditions. This variant is present in population databases (rs561232438, ExAC 0.05%), and has an allele count higher than expected for a pathogenic variant (PMID: 28166811). This sequence change replaces leucine with serine at codon 179 of the RTN2 protein (p.Leu179Ser). The leucine residue is weakly conserved and there is a large physicochemical difference between leucine and serine.

Literature cited by the submitters: PubMed 28166811 (cited by Labcorp Genetics (formerly Invitae), Labcorp).